The following is an entry in ClinVar:

ClinVar aggregate classification (germline): Uncertain significance. Review status: criteria provided, multiple submitters, no conflicts (2 of 4 stars). 3 submissions from 3 submitters: Uncertain significance (3). Last evaluated 2025-04-14.

Conditions:
Inborn genetic diseases. Identifiers: MedGen C0950123, MeSH D030342.

Allele frequency attached by ClinVar (database versions not stated): gnomAD exomes 0.00009; TOPMed 0.00010; gnomAD 0.00011 and 0.00013; ExAC 0.00012.
gnomAD v4.1: 81 of 1,614,114 alleles (0.005%); highest among the groups gnomAD compares: South Asian, 0.026%; no homozygotes.

Submissions (3):

Women's Health and Genetics/Laboratory Corporation of America, LabCorp
Classification: Uncertain significance. Last evaluated: 2025-04-14. Review status: criteria provided, single submitter. Criteria: LabCorp Variant Classification Summary - May 2015. Collection method: clinical testing. Allele origin: germline.
Comment: Variant summary: SERPINF1 c.383C>T (p.Thr128Met) results in a non-conservative amino acid change in the encoded protein sequence. Four of four in-silico tools predict a damaging effect of the variant on protein function. The variant allele was found at a frequency of 9.1e-05 in 251454 control chromosomes (gnomAD). This frequency is not significantly higher than estimated for a pathogenic variant in SERPINF1 causing Osteogenesis Imperfecta (9.1e-05 vs 0.0011), allowing no conclusion about variant significance. To our knowledge, no occurrence of c.383C>T in individuals affected with Osteogenesis Imperfecta and no experimental evidence demonstrating its impact on protein function have been reported. ClinVar contains an entry for this variant (Variation ID: 1433533). Based on the evidence outlined above, the variant was classified as uncertain significance.

Ambry Genetics
Classification: Uncertain significance for Inborn genetic diseases. Last evaluated: 2024-06-22. Review status: criteria provided, single submitter. Criteria: Ambry Variant Classification Scheme 2023. Collection method: clinical testing. Allele origin: germline.

Labcorp Genetics (formerly Invitae), Labcorp
Classification: Uncertain significance. Last evaluated: 2024-06-17. Review status: criteria provided, single submitter. Criteria: Invitae Variant Classification Sherloc (09022015). Collection method: clinical testing. Allele origin: germline.
Comment: This sequence change replaces threonine, which is neutral and polar, with methionine, which is neutral and non-polar, at codon 128 of the SERPINF1 protein (p.Thr128Met). This variant is present in population databases (rs765724264, gnomAD 0.03%). This variant has not been reported in the literature in individuals affected with SERPINF1-related conditions. ClinVar contains an entry for this variant (Variation ID: 1433533). Advanced modeling of protein sequence and biophysical properties (such as structural, functional, and spatial information, amino acid conservation, physicochemical variation, residue mobility, and thermodynamic stability) performed at Invitae indicates that this missense variant is not expected to disrupt SERPINF1 protein function with a negative predictive value of 80%. In summary, the available evidence is currently insufficient to determine the role of this variant in disease. Therefore, it has been classified as a Variant of Uncertain Significance.

NM_002615.7(SERPINF1):c.383C>T (p.Thr128Met)

Gene: SERPINF1 (serpin family F member 1; plus strand). Cytogenetic location: 17p13.3.
Variant type: single nucleotide variant.
Coding change: c.383C>T on transcript NM_002615.7 (MANE Select); coding-DNA position 383, C replaced by T.
Protein change: p.Thr128Met; replaces threonine 128 with methionine.
Molecular consequence: missense variant. On other transcripts: 5 prime UTR variant (1).
Genome position (GRCh38, 1-based): chr17:1,771,128, C>T. VCF-style: chr17-1771128-C-T. GRCh37 (hg19) VCF-style: chr17-1674422-C-T.
Other names: c.383C>T, p.Thr128Met (NM_001329903.2); c.-179C>T (NM_001329904.2); c.383C>T (NM_002615.5); short protein forms T128M.
Identifiers: ClinVar variation 1433533 (VCV001433533.7), dbSNP rs765724264, ClinGen allele CA8274660.
Genomic context (GRCh38, chr17:1,771,128, plus strand): 5'-TCTACTATGACTTGATCAGCAGCCCAGACATCCATGGTACCTATAAGGAGCTCCTTGACA[C>T]GGTCACTGCCCCCCAGAAGAACCTCAAGAGTGCCTCCCGGATCGTCTTTGAGAAGAGTGA-3'
Protein context (NP_002606.3, residues 118-138): IHGTYKELLD[Thr128Met]VTAPQKNLKS